The following is an entry in ClinVar:

NM_001018113.3(FANCB):c.1465G>A (p.Val489Ile)

Gene: FANCB (FA complementation group B; minus strand). Cytogenetic location: Xp22.2.
Variant type: single nucleotide variant.
Coding change: c.1465G>A on transcript NM_001018113.3 (MANE Select); coding-DNA position 1465, G replaced by A.
Protein change: p.Val489Ile; replaces valine 489 with isoleucine.
Molecular consequence: missense variant.
Genome position (GRCh38, 1-based): chrX:14,850,536, C>T on the plus strand (G>A on the coding strand, the complement: FANCB is on the minus strand). VCF-style: chrX-14850536-C-T. GRCh37 (hg19) VCF-style: chrX-14868658-C-T.
Other names: c.1465G>A, p.Val489Ile (NM_001324162.2, NM_001410764.1, NM_152633.4); short protein forms V489I.
Identifiers: ClinVar variation 4738987 (VCV004738987.1).

ClinVar aggregate classification (germline): Uncertain significance (1 of 4 stars; one submission).

Conditions:
Fanconi anemia (FA). Also called: Fanconi's anemia. Identifiers: Orphanet 84, MedGen C0015625, MeSH D005199, MONDO:0019391.

Submission:

Labcorp Genetics (formerly Invitae), Labcorp
Classification: Uncertain significance for Fanconi anemia. Last evaluated: 2025-09-09. Review status: criteria provided, single submitter. Criteria: Invitae Variant Classification Sherloc (09022015). Collection method: clinical testing. Allele origin: germline.
Comment: This sequence change replaces valine, which is neutral and non-polar, with isoleucine, which is neutral and non-polar, at codon 489 of the FANCB protein (p.Val489Ile). This variant is not present in population databases (gnomAD no frequency). This variant has not been reported in the literature in individuals affected with FANCB-related conditions. Invitae Evidence Modeling of protein sequence and biophysical properties (such as structural, functional, and spatial information, amino acid conservation, physicochemical variation, residue mobility, and thermodynamic stability) indicates that this missense variant is not expected to disrupt FANCB protein function with a negative predictive value of 80%. In summary, the available evidence is currently insufficient to determine the role of this variant in disease. Therefore, it has been classified as a Variant of Uncertain Significance.